The following is an entry in ClinVar:

ClinVar aggregate classification (germline): Benign/Likely benign. Review status: criteria provided, multiple submitters, no conflicts (2 of 4 stars). 6 submissions from 6 submitters: Benign (3); Likely benign (1). 2 of the submissions do not count toward it. Last evaluated 2026-01-30.

Conditions:
ABCB7-related disorder. Also called: ABCB7-related condition.
X-linked sideroblastic anemia with ataxia (SCAX6). Also called: SPINOCEREBELLAR ATAXIA, X-LINKED 6, WITH OR WITHOUT SIDEROBLASTIC ANEMIA. Identifiers: Orphanet 2802, MedGen C1845028, MONDO:0010524, OMIM 301310.

Allele frequency attached by ClinVar (database versions not stated): 1000 Genomes Project 30x 0.00375; 1000 Genomes Project 0.00424; gnomAD exomes 0.00885 and 0.01572; ExAC 0.00895; TOPMed 0.00940; gnomAD 0.00949 and 0.00961; ESP Exome Variant Server 0.00994.
gnomAD v4.1: 17,899 of 1,194,206 alleles (1.5%); highest among the groups gnomAD compares: Non-Finnish European, 1.8%; 115 homozygotes.

Submissions (6):

Labcorp Genetics (formerly Invitae), Labcorp
Classification: Benign. Last evaluated: 2026-01-30. Review status: criteria provided, single submitter. Criteria: Invitae Variant Classification Sherloc (09022015). Collection method: clinical testing. Allele origin: germline.

Blueprint Genetics
Classification: Likely benign. Last evaluated: 2024-11-28. Review status: criteria provided, single submitter. Criteria: ACMG Guidelines, 2015. Collection method: clinical testing. Allele origin: germline.

ARUP Laboratories, Molecular Genetics and Genomics, ARUP Laboratories
Classification: Benign for X-linked sideroblastic anemia with ataxia. Last evaluated: 2020-12-05. Review status: criteria provided, single submitter. Criteria: ARUP Molecular Germline Variant Investigation Process 2021. Collection method: clinical testing. Allele origin: germline.

GeneDx
Classification: Benign. Last evaluated: 2013-10-29. Review status: criteria provided, single submitter. Criteria: GeneDx Variant Classification (06012015). Collection method: clinical testing. Allele origin: germline. Affected: yes.
Comment: This variant is considered likely benign or benign based on one or more of the following criteria: it is a conservative change, it occurs at a poorly conserved position in the protein, it is predicted to be benign by multiple in silico algorithms, and/or has population frequency not consistent with disease.

PreventionGenetics, part of Exact Sciences
Classification: Benign for ABCB7-related condition. Last evaluated: 2019-09-10. Review status: no assertion criteria provided. Collection method: clinical testing. Allele origin: germline. Not counted in ClinVar's aggregate classification.
Comment: This variant is classified as benign based on ACMG/AMP sequence variant interpretation guidelines (Richards et al. 2015 PMID: 25741868, with internal and published modifications).

Mayo Clinic Laboratories, Mayo Clinic
Classification: Benign. Last evaluated: 2016-02-25. Review status: no assertion criteria provided. Collection method: clinical testing. Allele origin: unknown. Not counted in ClinVar's aggregate classification.

NM_001271696.3(ABCB7):c.945-7C>T

Gene: ABCB7 (ATP binding cassette subfamily B member 7; minus strand). Cytogenetic location: Xq13.3.
Variant type: single nucleotide variant.
Coding change: c.945-7C>T on transcript NM_001271696.3 (MANE Select); 7 bases into the intron before coding-DNA position 945, C replaced by T.
Molecular consequence: intron variant.
Genome position (GRCh38, 1-based): chrX:75,073,783, G>A on the plus strand (C>T on the coding strand, the complement: ABCB7 is on the minus strand). VCF-style: chrX-75073783-G-A. GRCh37 (hg19) VCF-style: chrX-74293618-G-A.
Other names: c.867-7C>T (NM_001271698.3); c.825-7C>T (NM_001271697.3); c.828-7C>T (NM_001271699.3); c.948-7C>T (NM_004299.6).
Identifiers: ClinVar variation 136244 (VCV000136244.28), dbSNP rs5937938, ClinGen allele CA289225.